The following is an entry in ClinVar:

NM_030662.4(MAP2K2):c.358C>G (p.Gln120Glu)

Gene: MAP2K2 (mitogen-activated protein kinase kinase 2; minus strand). Cytogenetic location: 19p13.3.
Variant type: single nucleotide variant.
Coding change: c.358C>G on transcript NM_030662.4 (MANE Select); coding-DNA position 358, C replaced by G.
Protein change: p.Gln120Glu; replaces glutamine 120 with glutamic acid.
Molecular consequence: missense variant.
Genome position (GRCh38, 1-based): chr19:4,110,601, G>C on the plus strand (C>G on the coding strand, the complement: MAP2K2 is on the minus strand). VCF-style: chr19-4110601-G-C. GRCh37 (hg19) VCF-style: chr19-4110599-G-C.
Other names: short protein forms Q120E.
Identifiers: ClinVar variation 1045401 (VCV001045401.8), dbSNP rs2041142085, ClinGen allele CA403391587.
Genomic context (GRCh38, chr19:4,110,601, plus strand): 5'-CACTGTAGAAGGCCCCGTAGAAGCCCACGATGTACGGCGAGTTGCATTCGTGCAGGACCT[G>C]CAGCTCGCGGATGATCTGGTTCCGGATGGCCGGCTTGATCTCAAGGTGGATCAGCTGCAA-3'
Protein context (NP_109587.1, residues 110-130): AIRNQIIREL[Gln120Glu]VLHECNSPYI

ClinVar aggregate classification (germline): Uncertain significance (1 of 4 stars; one submission).

Conditions:
RASopathy. Also called: rasopathies; Noonan spectrum disorder. Identifiers: Orphanet 536391, MedGen C5555857, MONDO:0021060.

Submission:

Labcorp Genetics (formerly Invitae), Labcorp
Classification: Uncertain significance for RASopathy. Last evaluated: 2020-05-22. Review status: criteria provided, single submitter. Criteria: Invitae Variant Classification Sherloc (09022015). Collection method: clinical testing. Allele origin: germline.
Comment: This sequence change replaces glutamine with glutamic acid at codon 120 of the MAP2K2 protein (p.Gln120Glu). The glutamine residue is moderately conserved and there is a small physicochemical difference between glutamine and glutamic acid. This variant is not present in population databases (ExAC no frequency). This variant has not been reported in the literature in individuals with MAP2K2-related conditions. Algorithms developed to predict the effect of missense changes on protein structure and function (SIFT, PolyPhen-2, Align-GVGD) all suggest that this variant is likely to be tolerated, but these predictions have not been confirmed by published functional studies and their clinical significance is uncertain. In summary, the available evidence is currently insufficient to determine the role of this variant in disease. Therefore, it has been classified as a Variant of Uncertain Significance.